The following is an entry in ClinVar:

ClinVar aggregate classification (germline): Uncertain significance (1 of 4 stars; one submission).

Conditions:
Autoimmune lymphoproliferative syndrome type 2B. Also called: AUTOIMMUNE LYMPHOPROLIFERATIVE SYNDROME, TYPE IIB. Identifiers: Orphanet 275517, MedGen C1846545, MONDO:0011804, OMIM 607271.

Allele frequency attached by ClinVar (database versions not stated): TOPMed below 0.00001; gnomAD 0.00001; gnomAD exomes 0.00001.

Submission:

Labcorp Genetics (formerly Invitae), Labcorp
Classification: Uncertain significance for Autoimmune lymphoproliferative syndrome type 2B. Last evaluated: 2025-12-11. Review status: criteria provided, single submitter. Criteria: Invitae Variant Classification Sherloc (09022015). Collection method: clinical testing. Allele origin: germline.
Comment: This sequence change falls in intron 6 of the CASP8 gene. It does not directly change the encoded amino acid sequence of the CASP8 protein. It affects a nucleotide within the consensus splice site. This variant is present in population databases (rs17860423, gnomAD 0.0009%). This variant has not been reported in the literature in individuals affected with CASP8-related conditions. ClinVar contains an entry for this variant (Variation ID: 1953110). Variants that disrupt the consensus splice site are a relatively common cause of aberrant splicing (PMID: 17576681, 9536098). Algorithms developed to predict the effect of sequence changes on RNA splicing suggest that this variant may disrupt the consensus splice site. In summary, the available evidence is currently insufficient to determine the role of this variant in disease. Therefore, it has been classified as a Variant of Uncertain Significance.

Literature cited by the submitters: PubMed 17576681; PubMed 9536098.

NM_001372051.1(CASP8):c.550+3A>G

Gene: CASP8 (caspase 8; plus strand). Cytogenetic location: 2q33.1.
Variant type: single nucleotide variant.
Coding change: c.550+3A>G on transcript NM_001372051.1 (MANE Select); 3 bases into the intron after coding-DNA position 550, A replaced by G.
Molecular consequence: intron variant.
Genome position (GRCh38, 1-based): chr2:201,272,779, A>G. VCF-style: chr2-201272779-A-G. GRCh37 (hg19) VCF-style: chr2-202137502-A-G.
Other names: c.646+3A>G (NM_001228.5); c.550+3A>G (NM_001400651.1, NM_001400663.1, NM_001400657.1 and 20 more transcripts); c.18+3A>G (NM_001400677.1, NM_001400750.1, NM_001400751.1 and 6 more transcripts); c.241+3A>G (NM_001400669.1); c.-62+3A>G (NM_001400680.1); c.727+3A>G (NM_001080125.2, NM_001400642.1, NM_001400665.1); c.-164+3A>G (NM_001400674.1).
Identifiers: ClinVar variation 1953110 (VCV001953110.4), dbSNP rs17860423, ClinGen allele CA63883946.
Genomic context (GRCh38, chr2:201,272,779, plus strand): 5'-GCCCAAATCAACAAGAGCCTGCTGAAGATAATCAACGACTATGAAGAATTCAGCAAAGGT[A>G]GAAACAACCTGACAGCCGGGAATCGGCAAAACCTACTCTAAAATTGAAACTGACAAATCG-3'